The following is an entry in ClinVar:

NM_001846.4(COL4A2):c.1663del (p.Thr555fs)

Genes: COL4A2 (collagen type IV alpha 2 chain; plus strand), COL4A2-AS2 (COL4A2 antisense RNA 2; minus strand). Cytogenetic location: 13q34.
Variant type: Deletion.
Coding change: c.1663del on transcript NM_001846.4 (MANE Select); coding-DNA position 1663, one base deleted (A; older notation c.1663delA).
Protein change: p.Thr555fs; shifts the reading frame from threonine 555.
Molecular consequence: frameshift variant.
Genome position (GRCh38, 1-based): chr13:110,462,180, A deleted; the last of 2 consecutive A bases (chr13:110,462,179-110,462,180); deleting either gives the same sequence. VCF-style (leftmost placement, unchanged base first): chr13-110462178-CA-C. GRCh37 (hg19) VCF-style: chr13-111114525-CA-C.
Other names: short protein forms T555fs.
Identifiers: ClinVar variation 2632823 (VCV002632823.1), dbSNP rs1566547508, ClinGen allele CA612866611.

ClinVar aggregate classification (germline): Uncertain significance (1 of 4 stars; one submission).

Conditions:
COL4A2-related disorder. Also called: COL4A2-related disorders; COL4A2-related condition.

Submission:

PreventionGenetics, part of Exact Sciences
Classification: Uncertain significance for COL4A2-related condition. Last evaluated: 2023-05-18. Review status: criteria provided, single submitter. Criteria: ACMG Guidelines, 2015. Collection method: clinical testing. Allele origin: germline.
Comment: The COL4A2 c.1663delA variant is predicted to result in a frameshift and premature protein termination (p.Thr555Profs*16). To our knowledge, this variant has not been reported in the literature. This variant is reported in 0.0057% of alleles in individuals of Latino descent in gnomAD. Although we suspect that this variant may be pathogenic, at this time, the clinical significance of this variant is uncertain due to the absence of conclusive functional and genetic evidence.